The following is an entry in ClinVar:

ClinVar aggregate classification (germline): Uncertain significance (1 of 4 stars; one submission).

Allele frequency attached by ClinVar (database versions not stated): gnomAD 0.00001; ExAC 0.00002; gnomAD exomes 0.00002; TOPMed 0.00002.
gnomAD v4.1: 11 of 1,614,068 alleles (0.00068%); highest among the groups gnomAD compares: Admixed American, 0.018%; no homozygotes.

Submission:

Labcorp Genetics (formerly Invitae), Labcorp
Classification: Uncertain significance. Last evaluated: 2022-06-13. Review status: criteria provided, single submitter. Criteria: Invitae Variant Classification Sherloc (09022015). Collection method: clinical testing. Allele origin: germline.
Comment: In summary, the available evidence is currently insufficient to determine the role of this variant in disease. Therefore, it has been classified as a Variant of Uncertain Significance. Algorithms developed to predict the effect of missense changes on protein structure and function output the following: SIFT: "Deleterious"; PolyPhen-2: "Benign"; Align-GVGD: "Class C0". The valine amino acid residue is found in multiple mammalian species, which suggests that this missense change does not adversely affect protein function. This variant has not been reported in the literature in individuals affected with TSEN2-related conditions. This variant is present in population databases (rs762441178, gnomAD 0.02%). This sequence change replaces isoleucine, which is neutral and non-polar, with valine, which is neutral and non-polar, at codon 98 of the TSEN2 protein (p.Ile98Val).

NM_025265.4(TSEN2):c.292A>G (p.Ile98Val)

Gene: TSEN2 (tRNA splicing endonuclease subunit 2; plus strand). Cytogenetic location: 3p25.2.
Variant type: single nucleotide variant.
Coding change: c.292A>G on transcript NM_025265.4 (MANE Select); coding-DNA position 292, A replaced by G.
Protein change: p.Ile98Val; replaces isoleucine 98 with valine.
Molecular consequence: missense variant. On other transcripts: non-coding transcript variant (1).
Genome position (GRCh38, 1-based): chr3:12,496,538, A>G. VCF-style: chr3-12496538-A-G. GRCh37 (hg19) VCF-style: chr3-12538037-A-G.
Other names: c.292A>G, p.Ile98Val (NM_001145392.2, NM_001145393.3, NM_001145394.2 and 3 more transcripts); short protein forms I98V.
Identifiers: ClinVar variation 1926348 (VCV001926348.5), dbSNP rs762441178, ClinGen allele CA2258462.